The following is an entry in ClinVar:

NM_000038.6(APC):c.3251A>G (p.Asp1084Gly)

Gene: APC (APC regulator of Wnt signaling pathway; plus strand). Cytogenetic location: 5q22.2.
Variant type: single nucleotide variant.
Coding change: c.3251A>G on transcript NM_000038.6 (MANE Select); coding-DNA position 3251, A replaced by G.
Protein change: p.Asp1084Gly; replaces aspartic acid 1084 with glycine.
Molecular consequence: missense variant.
Genome position (GRCh38, 1-based): chr5:112,838,845, A>G. VCF-style: chr5-112838845-A-G. GRCh37 (hg19) VCF-style: chr5-112174542-A-G.
Other names: c.3251A>G, p.Asp1084Gly (NM_001127510.3, NM_001354895.2, NM_001407450.1); c.3197A>G, p.Asp1066Gly (NM_001127511.3); c.3305A>G, p.Asp1102Gly (NM_001354896.2, NM_001407447.1, NM_001407448.1 and 1 more transcripts); c.3281A>G, p.Asp1094Gly (NM_001354897.2); c.3176A>G, p.Asp1059Gly (NM_001354898.2); c.3167A>G, p.Asp1056Gly (NM_001354899.2); c.3128A>G, p.Asp1043Gly (NM_001354900.2); c.3074A>G, p.Asp1025Gly (NM_001354901.2, NM_001407453.1); and 11 more; short protein forms D1059G, D1077G, D1084G, D1094G, D983G, D993G, D801G, D924G.
Identifiers: ClinVar variation 1729423 (VCV001729423.2), dbSNP rs201904856, ClinGen allele CA16028465.

ClinVar aggregate classification (germline): Uncertain significance (1 of 4 stars; one submission).

Conditions:
Hereditary cancer-predisposing syndrome. Also called: Neoplastic Syndromes, Hereditary; Tumor predisposition; Hereditary Cancer Syndrome; Hereditary neoplastic syndrome. Identifiers: Orphanet 140162, MedGen C0027672, MeSH D009386, MONDO:0015356.

gnomAD v4.1: 2 of 1,614,202 alleles (0.00012%); highest among the groups gnomAD compares: Non-Finnish European, 0.000085%; no homozygotes.

Submission:

Ambry Genetics
Classification: Uncertain significance for Hereditary cancer-predisposing syndrome. Last evaluated: 2021-01-05. Review status: criteria provided, single submitter. Criteria: Ambry Variant Classification Scheme 2023. Collection method: clinical testing. Allele origin: germline.
Comment: The p.D1084G variant (also known as c.3251A>G), located in coding exon 15 of the APC gene, results from an A to G substitution at nucleotide position 3251. The aspartic acid at codon 1084 is replaced by glycine, an amino acid with similar properties. This amino acid position is not well conserved in available vertebrate species. In addition, in silico predictors for this gene do not accurately predict pathogenicity. Since supporting evidence is limited at this time, the clinical significance of this alteration remains unclear.